The following is an entry in ClinVar:

ClinVar aggregate classification (germline): Uncertain significance (1 of 4 stars; one submission).

Conditions:
Epilepsy, early-onset, with or without developmental delay. Identifiers: MedGen C5882670, MONDO:0030005, OMIM 618832.
Neurodevelopmental disorder with speech impairment and dysmorphic facies. Identifiers: MedGen C5436699, MONDO:0033630, OMIM 619056.

Submission:

Juno Genomics, Hangzhou Juno Genomics, Inc
Classification: Uncertain significance for Epilepsy, early-onset, with or without developmental delay; Neurodevelopmental disorder with speech impairment and dysmorphic facies. Review status: criteria provided, single submitter. Criteria: ACMG Guidelines, 2015. Collection method: clinical testing. Allele origin: germline. Affected: yes.
Comment: Absent from controls (or at extremely low frequency if recessive) in Genome Aggregation Database.;Multiple lines of computational evidence support a deleterious effect on the gene or gene product.

NM_014712.3(SETD1A):c.5021T>C (p.Ile1674Thr)

Gene: SETD1A (SET domain containing 1A, histone lysine methyltransferase; plus strand). Cytogenetic location: 16p11.2.
Variant type: single nucleotide variant.
Coding change: c.5021T>C on transcript NM_014712.3 (MANE Select); coding-DNA position 5021, T replaced by C.
Protein change: p.Ile1674Thr; replaces isoleucine 1674 with threonine.
Molecular consequence: missense variant.
Genome position (GRCh38, 1-based): chr16:30,983,920, T>C. VCF-style: chr16-30983920-T-C. GRCh37 (hg19) VCF-style: chr16-30995241-T-C.
Other names: short protein forms I1674T.
Identifiers: ClinVar variation 5018654 (VCV005018654.1).